The following is an entry in ClinVar:

NM_052813.5(CARD9):c.603G>T (p.Met201Ile)

Gene: CARD9 (caspase recruitment domain family member 9; minus strand). Cytogenetic location: 9q34.3.
Variant type: single nucleotide variant.
Coding change: c.603G>T on transcript NM_052813.5 (MANE Select); coding-DNA position 603, G replaced by T.
Protein change: p.Met201Ile; replaces methionine 201 with isoleucine.
Molecular consequence: missense variant.
Genome position (GRCh38, 1-based): chr9:136,370,865, C>A on the plus strand (G>T on the coding strand, the complement: CARD9 is on the minus strand). VCF-style: chr9-136370865-C-A. GRCh37 (hg19) VCF-style: chr9-139265317-C-A.
Other names: c.603G>T, p.Met201Ile (NM_052814.4); short protein forms M201I.
Identifiers: ClinVar variation 2001132 (VCV002001132.1), dbSNP rs755256889, ClinGen allele CA5333078.

ClinVar aggregate classification (germline): Uncertain significance (1 of 4 stars; one submission).

Conditions:
Predisposition to invasive fungal disease due to CARD9 deficiency (IMD103). Also called: Candidiasis, familial, 2, autosomal recessive; CARD9 IMMUNODEFICIENCY; IMMUNODEFICIENCY 103, SUSCEPTIBILITY TO FUNGAL INFECTIONS. Identifiers: Orphanet 457088, MedGen C1859353, MONDO:0008905, OMIM 212050.

Allele frequency attached by ClinVar (database versions not stated): gnomAD exomes below 0.00001; ExAC 0.00001; gnomAD 0.00001; TOPMed 0.00003.
gnomAD v4.1: 3 of 1,600,610 alleles (0.00019%); highest among the groups gnomAD compares: African/African-American, 0.004%; no homozygotes.

Submission:

Labcorp Genetics (formerly Invitae), Labcorp
Classification: Uncertain significance for Predisposition to invasive fungal disease due to CARD9 deficiency. Last evaluated: 2022-08-19. Review status: criteria provided, single submitter. Criteria: Invitae Variant Classification Sherloc (09022015). Collection method: clinical testing. Allele origin: germline.
Comment: This sequence change replaces methionine, which is neutral and non-polar, with isoleucine, which is neutral and non-polar, at codon 201 of the CARD9 protein (p.Met201Ile). This variant is present in population databases (rs755256889, gnomAD 0.007%). This variant has not been reported in the literature in individuals affected with CARD9-related conditions. Algorithms developed to predict the effect of missense changes on protein structure and function are either unavailable or do not agree on the potential impact of this missense change (SIFT: "Deleterious"; PolyPhen-2: "Benign"; Align-GVGD: "Class C0"). In summary, the available evidence is currently insufficient to determine the role of this variant in disease. Therefore, it has been classified as a Variant of Uncertain Significance.